The following is an entry in ClinVar:

NM_000038.6(APC):c.5688C>A (p.Ser1896Arg)

Gene: APC (APC regulator of Wnt signaling pathway; plus strand). Cytogenetic location: 5q22.2.
Variant type: single nucleotide variant.
Coding change: c.5688C>A on transcript NM_000038.6 (MANE Select); coding-DNA position 5688, C replaced by A.
Protein change: p.Ser1896Arg; replaces serine 1896 with arginine.
Molecular consequence: missense variant. On other transcripts: non-coding transcript variant (2).
Genome position (GRCh38, 1-based): chr5:112,841,282, C>A. VCF-style: chr5-112841282-C-A. GRCh37 (hg19) VCF-style: chr5-112176979-C-A.
Other names: c.5688C>A, p.Ser1896Arg (NM_001127510.3, NM_001354895.2, NM_001407450.1); c.5634C>A, p.Ser1878Arg (NM_001127511.3); c.5742C>A, p.Ser1914Arg (NM_001354896.2, NM_001407447.1, NM_001407448.1 and 1 more transcripts); c.5718C>A, p.Ser1906Arg (NM_001354897.2); c.5613C>A, p.Ser1871Arg (NM_001354898.2); c.5604C>A, p.Ser1868Arg (NM_001354899.2); c.5565C>A, p.Ser1855Arg (NM_001354900.2); c.5511C>A, p.Ser1837Arg (NM_001354901.2, NM_001407453.1); and 11 more; short protein forms S1512R, S1613R, S1736R, S1767R, S1770R, S1795R, S1805R, S1813R.
Identifiers: ClinVar variation 4801498 (VCV004801498.1).
Genomic context (GRCh38, chr5:112,841,282, plus strand): 5'-GGAAAAGGCTGAATTAAGAAAGGCAAAAGAAAATAAGGAATCAGAGGCTAAAGTTACCAG[C>A]CACACAGAACTAACCTCCAACCAACAATCAGCTAATAAGACACAAGCTATTGCAAAGCAG-3'
Protein context (NP_000029.2, residues 1886-1906): ENKESEAKVT[Ser1896Arg]HTELTSNQQS

ClinVar aggregate classification (germline): Uncertain significance (1 of 4 stars; one submission).

Conditions:
Familial adenomatous polyposis 1 (FAP1). Also called: FAMILIAL ADENOMATOUS POLYPOSIS 1, ATTENUATED; POLYPOSIS, ADENOMATOUS INTESTINAL. Identifiers: MedGen C2713442, MONDO:0021056, OMIM 175100. Disease mechanism: loss of function.

Submission:

Labcorp Genetics (formerly Invitae), Labcorp
Classification: Uncertain significance for Familial adenomatous polyposis 1. Last evaluated: 2025-06-23. Review status: criteria provided, single submitter. Criteria: Invitae Variant Classification Sherloc (09022015). Collection method: clinical testing. Allele origin: germline.
Comment: This sequence change replaces serine, which is neutral and polar, with arginine, which is basic and polar, at codon 1896 of the APC protein (p.Ser1896Arg). This variant is not present in population databases (gnomAD no frequency). This variant has not been reported in the literature in individuals affected with APC-related conditions. Invitae Evidence Modeling of protein sequence and biophysical properties (such as structural, functional, and spatial information, amino acid conservation, physicochemical variation, residue mobility, and thermodynamic stability) indicates that this missense variant is not expected to disrupt APC protein function with a negative predictive value of 95%. In summary, the available evidence is currently insufficient to determine the role of this variant in disease. Therefore, it has been classified as a Variant of Uncertain Significance.